The following is an entry in ClinVar:

ClinVar aggregate classification (germline): Uncertain significance. Review status: criteria provided, multiple submitters, no conflicts (2 of 4 stars). 3 submissions from 3 submitters: Uncertain significance (3). Last evaluated 2024-12-07.

Conditions:
Neutropenia, severe congenital, 2, autosomal dominant. Identifiers: Orphanet 486, MedGen C2751288, MONDO:0013139, OMIM 613107.

Submissions (3):

Ambry Genetics
Classification: Uncertain significance. Last evaluated: 2024-12-07. Review status: criteria provided, single submitter. Criteria: Ambry Variant Classification Scheme 2023. Collection method: clinical testing. Allele origin: germline.
Comment: The p.S311N variant (also known as c.932G>A), located in coding exon 5 of the GFI1 gene, results from a G to A substitution at nucleotide position 932. The serine at codon 311 is replaced by asparagine, an amino acid with highly similar properties. This amino acid position is conserved. In addition, this alteration is predicted to be tolerated by in silico analysis. Based on the available evidence, the clinical significance of this variant remains unclear.

Labcorp Genetics (formerly Invitae), Labcorp
Classification: Uncertain significance for Neutropenia, severe congenital, 2, autosomal dominant. Last evaluated: 2024-07-30. Review status: criteria provided, single submitter. Criteria: Invitae Variant Classification Sherloc (09022015). Collection method: clinical testing. Allele origin: germline.
Comment: This sequence change replaces serine, which is neutral and polar, with asparagine, which is neutral and polar, at codon 311 of the GFI1 protein (p.Ser311Asn). This variant is not present in population databases (gnomAD no frequency). This variant has not been reported in the literature in individuals affected with GFI1-related conditions. Advanced modeling of protein sequence and biophysical properties (such as structural, functional, and spatial information, amino acid conservation, physicochemical variation, residue mobility, and thermodynamic stability) performed at Invitae indicates that this missense variant is not expected to disrupt GFI1 protein function with a negative predictive value of 80%. In summary, the available evidence is currently insufficient to determine the role of this variant in disease. Therefore, it has been classified as a Variant of Uncertain Significance.

Blueprint Genetics
Classification: Uncertain significance. Last evaluated: 2023-11-10. Review status: criteria provided, single submitter. Criteria: ACMG Guidelines, 2015. Collection method: clinical testing. Allele origin: germline.

NM_005263.5(GFI1):c.932G>A (p.Ser311Asn)

Gene: GFI1 (growth factor independent 1 transcriptional repressor; minus strand). Cytogenetic location: 1p22.1.
Variant type: single nucleotide variant.
Coding change: c.932G>A on transcript NM_005263.5 (MANE Select); coding-DNA position 932, G replaced by A.
Protein change: p.Ser311Asn; replaces serine 311 with asparagine.
Molecular consequence: missense variant.
Genome position (GRCh38, 1-based): chr1:92,478,746, C>T on the plus strand (G>A on the coding strand, the complement: GFI1 is on the minus strand). VCF-style: chr1-92478746-C-T. GRCh37 (hg19) VCF-style: chr1-92944303-C-T.
Other names: c.932G>A, p.Ser311Asn (NM_001127215.3, NM_001127216.3); short protein forms S311N.
Identifiers: ClinVar variation 3519851 (VCV003519851.4).